The following is an entry in ClinVar:

ClinVar aggregate classification (germline): Likely benign (0 of 4 stars; one submission).

Conditions:
TREH-related disorder. Also called: TREH-related condition.

Allele frequency attached by ClinVar (database versions not stated): gnomAD 0.00001; TOPMed 0.00001.

Submission:

PreventionGenetics, part of Exact Sciences
Classification: Likely benign for TREH-related condition. Last evaluated: 2019-03-27. Review status: no assertion criteria provided. Collection method: clinical testing. Allele origin: germline.
Comment: This variant is classified as likely benign based on ACMG/AMP sequence variant interpretation guidelines (Richards et al. 2015 PMID: 25741868, with internal and published modifications).

NM_007180.3(TREH):c.111G>A (p.Glu37=)

Gene: TREH (trehalase; minus strand). Cytogenetic location: 11q23.3.
Variant type: single nucleotide variant.
Coding change: c.111G>A on transcript NM_007180.3 (MANE Select); coding-DNA position 111, G replaced by A.
Protein change: p.Glu37=; no amino-acid change (glutamic acid 37 retained).
Molecular consequence: synonymous variant.
Genome position (GRCh38, 1-based): chr11:118,663,418, C>T on the plus strand (G>A on the coding strand, the complement: TREH is on the minus strand). VCF-style: chr11-118663418-C-T. GRCh37 (hg19) VCF-style: chr11-118534127-C-T.
Other names: c.111G>A, p.Glu37= (NM_001301065.2).
Identifiers: ClinVar variation 3058403 (VCV003058403.2), dbSNP rs868937423, ClinGen allele CA477108857.